The following is an entry in ClinVar:

NM_001875.5(CPS1):c.2161_2162insCT (p.Arg721fs)

Gene: CPS1 (carbamoyl-phosphate synthase 1; plus strand). Cytogenetic location: 2q34.
Variant type: Insertion.
Coding change: c.2161_2162insCT on transcript NM_001875.5 (MANE Select); coding-DNA positions 2161 to 2162, CT inserted.
Protein change: p.Arg721fs; shifts the reading frame from arginine 721.
Molecular consequence: frameshift variant. On other transcripts: non-coding transcript variant (2).
Genome position: GRCh38 VCF-style: chr2-210606910-C-CCT. GRCh37 (hg19) VCF-style: chr2-211471634-C-CCT.
Other names: c.2161_2162insCT, p.Arg721fs (NM_001122633.3, NM_001369257.1); c.2194_2195insCT, p.Arg732fs (NM_001369256.1); short protein forms R721fs, R732fs.
Identifiers: ClinVar variation 5012821 (VCV005012821.1).

ClinVar aggregate classification (germline): Pathogenic (1 of 4 stars; one submission).

Conditions:
Congenital hyperammonemia, type I. Also called: CPS I DEFICIENCY; Carbamoyl phosphate synthetase 1 deficiency; Hyperammonemia due to carbamoyl phosphate synthetase 1 deficiency; CPS 1 deficiency; Carbamyl phosphate synthetase (CPS) deficiency; Carbamoyl phosphate synthetase I deficiency disease. Identifiers: Orphanet 147, MedGen C4082171, MONDO:0009376, OMIM 237300.

Submission:

Myriad Genetics, Inc.
Classification: Pathogenic for Congenital hyperammonemia, type I. Last evaluated: 2024-03-15. Review status: criteria provided, single submitter. Criteria: Myriad Autosomal Dominant, Autosomal Recessive and X-Linked Classification Criteria (2023). Collection method: clinical testing. Allele origin: unknown.
Comment: NM_001875.4(CPS1):c.2161_2162insCT(R721Pfs*24) is expected to be pathogenic in the context of carbamoylphosphate synthetase I deficiency. This variant is predicted to lead to an abnormal or absent protein product due to the creation of a premature termination codon in CPS1, a gene where loss-of-function variants are known to be pathogenic. Please note: this variant was assessed in the context of healthy population screening.